The following is an entry in ClinVar:

ClinVar aggregate classification (germline): Benign/Likely benign. Review status: criteria provided, multiple submitters, no conflicts (2 of 4 stars). 3 submissions from 3 submitters: Benign (2); Likely benign (1). Last evaluated 2026-02-04.

Allele frequency attached by ClinVar (database versions not stated): 1000 Genomes Project 30x 0.00125; 1000 Genomes Project 0.00140; TOPMed 0.00313; gnomAD exomes 0.00419 and 0.00626; gnomAD 0.00432 and 0.00454; ESP Exome Variant Server 0.00447; ExAC 0.00908.
gnomAD v4.1: 9,507 of 1,584,144 alleles (0.6%); highest among the groups gnomAD compares: Non-Finnish European, 0.72%; 36 homozygotes.

Submissions (3):

Labcorp Genetics (formerly Invitae), Labcorp
Classification: Benign. Last evaluated: 2026-02-04. Review status: criteria provided, single submitter. Criteria: Invitae Variant Classification Sherloc (09022015). Collection method: clinical testing. Allele origin: germline.

CeGaT Center for Human Genetics Tuebingen
Classification: Likely benign. Last evaluated: 2026-02-01. Review status: criteria provided, single submitter. Criteria: CeGaT Center For Human Genetics Tuebingen Variant Classification Criteria Version 2. Collection method: clinical testing. Allele origin: germline. Affected: yes. Observed: 9 variant alleles.
Comment: VAC14: BS2

Breakthrough Genomics
Classification: Benign. Review status: criteria provided, single submitter. Criteria: ACMG Guidelines, 2015. Collection method: not provided. Allele origin: germline. Inheritance: Autosomal recessive inheritance. Affected: yes.

NM_018052.5(VAC14):c.358A>G (p.Ile120Val)

Gene: VAC14 (VAC14 component of PIKFYVE complex; minus strand). Cytogenetic location: 16q22.1.
Variant type: single nucleotide variant.
Coding change: c.358A>G on transcript NM_018052.5 (MANE Select); coding-DNA position 358, A replaced by G.
Protein change: p.Ile120Val; replaces isoleucine 120 with valine.
Molecular consequence: missense variant. On other transcripts: 5 prime UTR variant (1).
Genome position (GRCh38, 1-based): chr16:70,785,767, T>C on the plus strand (A>G on the coding strand, the complement: VAC14 is on the minus strand). VCF-style: chr16-70785767-T-C. GRCh37 (hg19) VCF-style: chr16-70819670-T-C.
Other names: c.-345A>G (NM_001351157.2); short protein forms I120V.
Identifiers: ClinVar variation 780061 (VCV000780061.39), dbSNP rs145208697, ClinGen allele CA8148120.